The following is an entry in ClinVar:

ClinVar aggregate classification (germline): Conflicting classifications of pathogenicity. Review status: criteria provided, conflicting classifications (1 of 4 stars). 2 submissions from 2 submitters: Uncertain significance (1); Likely benign (1). Last evaluated 2025-04-21.

Conditions:
Inborn genetic diseases. Identifiers: MedGen C0950123, MeSH D030342.

gnomAD v4.1: 1 of 1,613,732 alleles (0.000062%); highest among the groups gnomAD compares: Non-Finnish European, 0.000085%; no homozygotes.

Submissions (2):

Labcorp Genetics (formerly Invitae), Labcorp
Classification: Likely benign. Last evaluated: 2025-04-21. Review status: criteria provided, single submitter. Criteria: Invitae Variant Classification Sherloc (09022015). Collection method: clinical testing. Allele origin: germline.

Ambry Genetics
Classification: Uncertain significance for Inborn genetic diseases. Last evaluated: 2025-02-09. Review status: criteria provided, single submitter. Criteria: Ambry Variant Classification Scheme 2023. Collection method: clinical testing. Allele origin: germline.
Comment: The p.S370P variant (also known as c.1108T>C), located in coding exon 12 of the ASXL1 gene, results from a T to C substitution at nucleotide position 1108. The serine at codon 370 is replaced by proline, an amino acid with similar properties. This amino acid position is conserved. In addition, this alteration is predicted to be tolerated by in silico analysis. Based on the available evidence, the clinical significance of this variant remains unclear.

NM_015338.6(ASXL1):c.1108T>C (p.Ser370Pro)

Gene: ASXL1 (ASXL transcriptional regulator 1; plus strand). Cytogenetic location: 20q11.21.
Variant type: single nucleotide variant.
Coding change: c.1108T>C on transcript NM_015338.6 (MANE Select); coding-DNA position 1108, T replaced by C.
Protein change: p.Ser370Pro; replaces serine 370 with proline.
Molecular consequence: missense variant.
Genome position (GRCh38, 1-based): chr20:32,433,306, T>C. VCF-style: chr20-32433306-T-C. GRCh37 (hg19) VCF-style: chr20-31021109-T-C.
Other names: c.925T>C, p.Ser309Pro (NM_001363734.1); c.1108T>C (NM_015338.5); short protein forms S309P, S370P.
Identifiers: ClinVar variation 1558612 (VCV001558612.9), dbSNP rs557983754, ClinGen allele CA408555826.
Genomic context (GRCh38, chr20:32,433,306, plus strand): 5'-TCTGGCCTGAAACTGATGGCTGTGATTTTGATTTGCAGGCTGGGTTTGACCAAAGAAGAG[T>C]CATTGCAGCAGAACGTGGGCCAGGAGGAGGCTGAAATCAAAAGTGGCTTGTGTGTCCCAG-3'
Protein context (NP_056153.2, residues 360-380): GQKLGLTKEE[Ser370Pro]LQQNVGQEEA